The following is an entry in ClinVar:

NM_001291303.3(FAT4):c.7979C>G (p.Thr2660Arg)

Gene: FAT4 (FAT atypical cadherin 4; plus strand). Cytogenetic location: 4q28.1.
Variant type: single nucleotide variant.
Coding change: c.7979C>G on transcript NM_001291303.3 (MANE Select); coding-DNA position 7979, C replaced by G.
Protein change: p.Thr2660Arg; replaces threonine 2660 with arginine.
Molecular consequence: missense variant.
Genome position (GRCh38, 1-based): chr4:125,448,989, C>G. VCF-style: chr4-125448989-C-G. GRCh37 (hg19) VCF-style: chr4-126370144-C-G.
Other names: c.7973C>G (NM_024582.5, NM_024582.4); c.7979C>G, p.Thr2660Arg (NM_001291285.3); c.7973C>G, p.Thr2658Arg (NM_024582.6); short protein forms T2658R, T2660R.
Identifiers: ClinVar variation 1437854 (VCV001437854.12), dbSNP rs761286125, ClinGen allele CA3073292.

ClinVar aggregate classification (germline): Uncertain significance. Review status: criteria provided, multiple submitters, no conflicts (2 of 4 stars). 4 submissions from 4 submitters: Uncertain significance (4). Last evaluated 2025-06-03.

Conditions:
Inborn genetic diseases. Identifiers: MedGen C0950123, MeSH D030342.
Hennekam lymphangiectasia-lymphedema syndrome 2 (HKLLS2). Identifiers: Orphanet 2136, MedGen C4014939, MONDO:0014454, OMIM 616006.
Van Maldergem syndrome 2 (VMLDS2). Identifiers: Orphanet 314679, MedGen C3809875, MONDO:0014242, OMIM 615546.

Allele frequency attached by ClinVar (database versions not stated): TOPMed 0.00002; ExAC 0.00004.
gnomAD v4.1: 19 of 1,613,816 alleles (0.0012%); highest among the groups gnomAD compares: Admixed American, 0.03%; no homozygotes.

Submissions (4):

Ambry Genetics
Classification: Uncertain significance for Inborn genetic diseases. Last evaluated: 2025-06-03. Review status: criteria provided, single submitter. Criteria: Ambry Variant Classification Scheme 2023. Collection method: clinical testing. Allele origin: germline.

GeneDx
Classification: Uncertain significance. Last evaluated: 2025-04-10. Review status: criteria provided, single submitter. Criteria: GeneDx Variant Classification Process June 2021. Collection method: clinical testing. Allele origin: germline. Affected: yes.
Comment: In silico analysis indicates that this missense variant does not alter protein structure/function; Has not been previously published as pathogenic or benign to our knowledge

Fulgent Genetics
Classification: Uncertain significance for Van Maldergem syndrome 2; Hennekam lymphangiectasia-lymphedema syndrome 2. Last evaluated: 2024-03-07. Review status: criteria provided, single submitter. Criteria: ACMG Guidelines, 2015. Collection method: clinical testing. Allele origin: germline.

Labcorp Genetics (formerly Invitae), Labcorp
Classification: Uncertain significance. Last evaluated: 2022-05-17. Review status: criteria provided, single submitter. Criteria: Invitae Variant Classification Sherloc (09022015). Collection method: clinical testing. Allele origin: germline.
Comment: This sequence change replaces threonine, which is neutral and polar, with arginine, which is basic and polar, at codon 2658 of the FAT4 protein (p.Thr2658Arg). This variant is present in population databases (rs761286125, gnomAD 0.04%). This variant has not been reported in the literature in individuals affected with FAT4-related conditions. Advanced modeling of protein sequence and biophysical properties (such as structural, functional, and spatial information, amino acid conservation, physicochemical variation, residue mobility, and thermodynamic stability) performed at Invitae indicates that this missense variant is not expected to disrupt FAT4 protein function. In summary, the available evidence is currently insufficient to determine the role of this variant in disease. Therefore, it has been classified as a Variant of Uncertain Significance.